The following is an entry in ClinVar:

ClinVar aggregate classification (germline): Uncertain significance. Review status: criteria provided, multiple submitters, no conflicts (2 of 4 stars). 3 submissions from 3 submitters: Uncertain significance (3). Last evaluated 2025-11-10.

Conditions:
Spondylodysplastic Ehlers-Danlos syndrome. Identifiers: Orphanet 536471, Orphanet 75496, MedGen C5680154, MONDO:0007526.
Inborn genetic diseases. Identifiers: MedGen C0950123, MeSH D030342.

Submissions (3):

GeneDx
Classification: Uncertain significance. Last evaluated: 2025-11-10. Review status: criteria provided, single submitter. Criteria: GeneDx Variant Classification Process June 2021. Collection method: clinical testing. Allele origin: germline. Affected: yes.
Comment: Not observed at significant frequency in large population cohorts (gnomAD); In silico analysis supports that this missense variant has a deleterious effect on protein structure/function; Has not been previously published as pathogenic or benign to our knowledge; In silico analysis suggests this variant may impact gene splicing. In the absence of RNA/functional studies, the actual effect of this sequence change is unknown.

Ambry Genetics
Classification: Uncertain significance for Inborn genetic diseases. Last evaluated: 2025-09-26. Review status: criteria provided, single submitter. Criteria: Ambry Variant Classification Scheme 2023. Collection method: clinical testing. Allele origin: germline.

Labcorp Genetics (formerly Invitae), Labcorp
Classification: Uncertain significance for Spondylodysplastic Ehlers-Danlos syndrome. Last evaluated: 2022-05-14. Review status: criteria provided, single submitter. Criteria: Invitae Variant Classification Sherloc (09022015). Collection method: clinical testing. Allele origin: germline.
Comment: This sequence change replaces arginine, which is basic and polar, with serine, which is neutral and polar, at codon 220 of the B4GALT7 protein (p.Arg220Ser). This variant is present in population databases (rs199905021, gnomAD 0.008%). This variant has not been reported in the literature in individuals affected with B4GALT7-related conditions. ClinVar contains an entry for this variant (Variation ID: 1307777). Algorithms developed to predict the effect of missense changes on protein structure and function are either unavailable or do not agree on the potential impact of this missense change (SIFT: "Deleterious"; PolyPhen-2: "Probably Damaging"; Align-GVGD: "Class C15"). Algorithms developed to predict the effect of sequence changes on RNA splicing suggest that this variant may create or strengthen a splice site. In summary, the available evidence is currently insufficient to determine the role of this variant in disease. Therefore, it has been classified as a Variant of Uncertain Significance.

NM_007255.3(B4GALT7):c.658C>A (p.Arg220Ser)

Gene: B4GALT7 (beta-1,4-galactosyltransferase 7; plus strand). Cytogenetic location: 5q35.3.
Variant type: single nucleotide variant.
Coding change: c.658C>A on transcript NM_007255.3 (MANE Select); coding-DNA position 658, C replaced by A.
Protein change: p.Arg220Ser; replaces arginine 220 with serine.
Molecular consequence: missense variant.
Genome position (GRCh38, 1-based): chr5:177,608,557, C>A. VCF-style: chr5-177608557-C-A. GRCh37 (hg19) VCF-style: chr5-177035558-C-A.
Other names: short protein forms R220S.
Identifiers: ClinVar variation 1307777 (VCV001307777.8), dbSNP rs199905021, ClinGen allele CA3586618.